The following is an entry in ClinVar:

ClinVar aggregate classification (germline): Likely benign. Review status: criteria provided, multiple submitters, no conflicts (2 of 4 stars). 4 submissions from 4 submitters: Likely benign (4). Last evaluated 2025-12-11.

Conditions:
Leukoencephalopathy with brain stem and spinal cord involvement-high lactate syndrome (LBSL). Also called: Leukoencephalopathy with Brainstem and Spinal Cord Involvement and Lactate Elevation; LEUKOENCEPHALOPATHY WITH BRAINSTEM AND SPINAL CORD INVOLVEMENT AND LACTATE ELEVATION, MILD; MITOCHONDRIAL ASPARTYL-tRNA SYNTHETASE DEFICIENCY. Identifiers: Orphanet 137898, MedGen C1970180, MONDO:0012622, OMIM 611105.

Allele frequency attached by ClinVar (database versions not stated): 1000 Genomes Project 0.00020; gnomAD 0.00023 and 0.00025; TOPMed 0.00028; 1000 Genomes Project 30x 0.00031; ESP Exome Variant Server 0.00031; gnomAD exomes 0.00037; ExAC 0.00040.
gnomAD v4.1: 727 of 1,610,820 alleles (0.045%); highest among the groups gnomAD compares: Non-Finnish European, 0.057%; no homozygotes.

Submissions (4):

Labcorp Genetics (formerly Invitae), Labcorp
Classification: Likely benign. Last evaluated: 2025-12-11. Review status: criteria provided, single submitter. Criteria: Invitae Variant Classification Sherloc (09022015). Collection method: clinical testing. Allele origin: germline.

Blueprint Genetics
Classification: Likely benign. Last evaluated: 2024-08-28. Review status: criteria provided, single submitter. Criteria: ACMG Guidelines, 2015. Collection method: clinical testing. Allele origin: germline.

Genome-Nilou Lab
Classification: Likely benign for Leukoencephalopathy with brain stem and spinal cord involvement-high lactate syndrome. Last evaluated: 2023-04-11. Review status: criteria provided, single submitter. Criteria: ACMG Guidelines, 2015. Collection method: clinical testing. Allele origin: germline. Affected: no.

GeneDx
Classification: Likely benign. Last evaluated: 2018-03-15. Review status: criteria provided, single submitter. Criteria: GeneDx Variant Classification (06012015). Collection method: clinical testing. Allele origin: germline. Affected: yes.
Comment: This variant is considered likely benign or benign based on one or more of the following criteria: it is a conservative change, it occurs at a poorly conserved position in the protein, it is predicted to be benign by multiple in silico algorithms, and/or has population frequency not consistent with disease.

NM_018122.5(DARS2):c.1345-16C>T

Gene: DARS2 (aspartyl-tRNA synthetase 2, mitochondrial; plus strand). Cytogenetic location: 1q25.1.
Variant type: single nucleotide variant.
Coding change: c.1345-16C>T on transcript NM_018122.5 (MANE Select); 16 bases into the intron before coding-DNA position 1345, C replaced by T.
Molecular consequence: intron variant.
Genome position (GRCh38, 1-based): chr1:173,853,333, C>T. VCF-style: chr1-173853333-C-T. GRCh37 (hg19) VCF-style: chr1-173822471-C-T.
Other names: c.1192-16C>T (NM_001365212.1).
Identifiers: ClinVar variation 377767 (VCV000377767.10), dbSNP rs200214952, ClinGen allele CA1250403.
Genomic context (GRCh38, chr1:173,853,333, plus strand): 5'-TTCGGAATCCAGGCTGTGTCATTTCCTGCCTGCTCTGTCAAGAAGTTAACTCAATGTTTA[C>T]GTCTTCTGTTTGCAGTGCTCTTTGTTAGGAAAATTACGACTGGAATGTGCTGACCTTCTA-3'